The following is an entry in ClinVar:

NM_004793.4(LONP1):c.1528C>T (p.Leu510Phe)

Gene: LONP1 (lon peptidase 1, mitochondrial; minus strand). Cytogenetic location: 19p13.3.
Variant type: single nucleotide variant.
Coding change: c.1528C>T on transcript NM_004793.4 (MANE Select); coding-DNA position 1528, C replaced by T.
Protein change: p.Leu510Phe; replaces leucine 510 with phenylalanine.
Molecular consequence: missense variant. On other transcripts: non-coding transcript variant (1).
Genome position (GRCh38, 1-based): chr19:5,699,184, G>A on the plus strand (C>T on the coding strand, the complement: LONP1 is on the minus strand). VCF-style: chr19-5699184-G-A. GRCh37 (hg19) VCF-style: chr19-5699195-G-A.
Other names: c.1336C>T, p.Leu446Phe (NM_001276479.2); c.940C>T, p.Leu314Phe (NM_001276480.1); short protein forms L446F, L314F, L510F.
Identifiers: ClinVar variation 4709734 (VCV004709734.1).

ClinVar aggregate classification (germline): Uncertain significance (1 of 4 stars; one submission).

gnomAD v4.1: 4 of 1,510,470 alleles (0.00026%); highest among the groups gnomAD compares: East Asian, 0.0074%; no homozygotes.

Submission:

Labcorp Genetics (formerly Invitae), Labcorp
Classification: Uncertain significance. Last evaluated: 2025-02-25. Review status: criteria provided, single submitter. Criteria: Invitae Variant Classification Sherloc (09022015). Collection method: clinical testing. Allele origin: germline.
Comment: This sequence change replaces leucine, which is neutral and non-polar, with phenylalanine, which is neutral and non-polar, at codon 510 of the LONP1 protein (p.Leu510Phe). This variant is not present in population databases (gnomAD no frequency). This variant has not been reported in the literature in individuals affected with LONP1-related conditions. Invitae Evidence Modeling of protein sequence and biophysical properties (such as structural, functional, and spatial information, amino acid conservation, physicochemical variation, residue mobility, and thermodynamic stability) indicates that this missense variant is not expected to disrupt LONP1 protein function with a negative predictive value of 95%. In summary, the available evidence is currently insufficient to determine the role of this variant in disease. Therefore, it has been classified as a Variant of Uncertain Significance.